The following is an entry in ClinVar:

NM_007175.8(ERLIN2):c.553T>C (p.Leu185=)

Gene: ERLIN2 (ER lipid raft associated 2; plus strand). Cytogenetic location: 8p11.23.
Variant type: single nucleotide variant.
Coding change: c.553T>C on transcript NM_007175.8 (MANE Select); coding-DNA position 553, T replaced by C.
Protein change: p.Leu185=; no amino-acid change (leucine 185 retained).
Molecular consequence: synonymous variant.
Genome position (GRCh38, 1-based): chr8:37,749,848, T>C. VCF-style: chr8-37749848-T-C. GRCh37 (hg19) VCF-style: chr8-37607366-T-C.
Other names: c.553T>C (NM_007175.6); c.553T>C, p.Leu185= (NM_001362878.2).
Identifiers: ClinVar variation 1919265 (VCV001919265.30), dbSNP rs150529140, ClinGen allele CA4710922.
Genomic context (GRCh38, chr8:37,749,848, plus strand): 5'-CTCCAGGCTGTGCGGGTAACAAAGCCCAACATACCAGAGGCAATCCGCAGAAACTACGAG[T>C]TGATGTGAGTATACCCTCCGCCTGGGCTGTGACCACCACTGCCTCCCACCTCCCACCTCG-3'
Protein context (NP_009106.1, residues 175-195): IPEAIRRNYE[Leu185=]MESEKTKLLI

ClinVar aggregate classification (germline): Likely benign. Review status: criteria provided, multiple submitters, no conflicts (2 of 4 stars). 3 submissions from 3 submitters: Likely benign (2). 1 of the submissions does not count toward it. Last evaluated 2024-05-15.

Conditions:
ERLIN2-related disorder. Also called: ERLIN2-related condition.
Spastic paraplegia. Identifiers: MedGen C0037772, HP:0001258.

Allele frequency attached by ClinVar (database versions not stated): ExAC 0.00017; gnomAD 0.00017; TOPMed 0.00019; gnomAD exomes 0.00025; ESP Exome Variant Server 0.00031.
gnomAD v4.1: 390 of 1,613,724 alleles (0.024%); highest among the groups gnomAD compares: South Asian, 0.082%; no homozygotes.

Submissions (3):

Labcorp Genetics (formerly Invitae), Labcorp
Classification: Likely benign for Spastic paraplegia. Last evaluated: 2024-05-15. Review status: criteria provided, single submitter. Criteria: Invitae Variant Classification Sherloc (09022015). Collection method: clinical testing. Allele origin: germline.

CeGaT Center for Human Genetics Tuebingen
Classification: Likely benign. Last evaluated: 2022-05-01. Review status: criteria provided, single submitter. Criteria: CeGaT Center For Human Genetics Tuebingen Variant Classification Criteria Version 2. Collection method: clinical testing. Allele origin: germline. Affected: yes. Observed: 1 variant allele.
Comment: ERLIN2: BP4, BP7

PreventionGenetics, part of Exact Sciences
Classification: Likely benign for ERLIN2-related condition. Last evaluated: 2019-10-28. Review status: no assertion criteria provided. Collection method: clinical testing. Allele origin: germline. Not counted in ClinVar's aggregate classification.
Comment: This variant is classified as likely benign based on ACMG/AMP sequence variant interpretation guidelines (Richards et al. 2015 PMID: 25741868, with internal and published modifications).